The following is an entry in ClinVar:

ClinVar aggregate classification (germline): Uncertain significance (1 of 4 stars; one submission).

Conditions:
Inborn genetic diseases. Identifiers: MedGen C0950123, MeSH D030342.

Allele frequency attached by ClinVar (database versions not stated): TOPMed below 0.00001; ExAC 0.00001; gnomAD exomes 0.00001.

Submission:

Ambry Genetics
Classification: Uncertain significance for Inborn genetic diseases. Last evaluated: 2024-02-16. Review status: criteria provided, single submitter. Criteria: Ambry Variant Classification Scheme 2023. Collection method: clinical testing. Allele origin: germline.
Comment: The p.T475I variant (also known as c.1424C>T), located in coding exon 10 of the ACD gene, results from a C to T substitution at nucleotide position 1424. The threonine at codon 475 is replaced by isoleucine, an amino acid with similar properties. This amino acid position is conserved. In addition, this alteration is predicted to be tolerated by in silico analysis. Since supporting evidence is limited at this time, the clinical significance of this alteration remains unclear.

NM_001082486.2(ACD):c.1166C>T (p.Thr389Ile)

Gene: ACD (ACD shelterin complex subunit and telomerase recruitment factor; minus strand). Cytogenetic location: 16q22.1.
Variant type: single nucleotide variant.
Coding change: c.1166C>T on transcript NM_001082486.2 (MANE Select); coding-DNA position 1166, C replaced by T.
Protein change: p.Thr389Ile; replaces threonine 389 with isoleucine.
Molecular consequence: missense variant.
Genome position (GRCh38, 1-based): chr16:67,658,026, G>A on the plus strand (C>T on the coding strand, the complement: ACD is on the minus strand). VCF-style: chr16-67658026-G-A. GRCh37 (hg19) VCF-style: chr16-67691929-G-A.
Other names: c.1079C>T, p.Thr360Ile (NM_001410884.1); c.1157C>T, p.Thr386Ile (NM_022914.3); short protein forms T360I, T389I, T386I.
Identifiers: ClinVar variation 1772332 (VCV001772332.2), dbSNP rs758781164, ClinGen allele CA8114427.